The following is an entry in ClinVar:

ClinVar aggregate classification (germline): Pathogenic (1 of 4 stars; one submission).

gnomAD v4.1: 2 of 1,599,408 alleles (0.00013%); highest among the groups gnomAD compares: Non-Finnish European, 0.00017%; no homozygotes.

Submission:

Labcorp Genetics (formerly Invitae), Labcorp
Classification: Pathogenic. Last evaluated: 2022-06-28. Review status: criteria provided, single submitter. Criteria: Invitae Variant Classification Sherloc (09022015). Collection method: clinical testing. Allele origin: germline.
Comment: This sequence change creates a premature translational stop signal (p.Arg4538*) in the DNHD1 gene. It is expected to result in an absent or disrupted protein product. Loss-of-function variants in DNHD1 are known to be pathogenic (PMID: 34932939). This variant is not present in population databases (gnomAD no frequency). This variant has not been reported in the literature in individuals affected with DNHD1-related conditions. Algorithms developed to predict the effect of sequence changes on RNA splicing suggest that this variant may create or strengthen a splice site. For these reasons, this variant has been classified as Pathogenic.

Literature cited by the submitters: PubMed 34932939.

NM_144666.3(DNHD1):c.13612C>T (p.Arg4538Ter)

Gene: DNHD1 (dynein heavy chain domain 1; plus strand). Cytogenetic location: 11p15.4.
Variant type: single nucleotide variant.
Coding change: c.13612C>T on transcript NM_144666.3 (MANE Select); coding-DNA position 13612, C replaced by T.
Protein change: p.Arg4538Ter; replaces arginine 4538 with a stop codon.
Molecular consequence: nonsense.
Genome position (GRCh38, 1-based): chr11:6,571,124, C>T. VCF-style: chr11-6571124-C-T. GRCh37 (hg19) VCF-style: chr11-6592354-C-T.
Other names: short protein forms R4538*.
Identifiers: ClinVar variation 2186886 (VCV002186886.1), dbSNP rs754601076, ClinGen allele CA379419468.